The following is an entry in ClinVar:

NM_022124.6(CDH23):c.2289+6T>G

Gene: CDH23 (cadherin related 23; plus strand). Cytogenetic location: 10q22.1.
Variant type: single nucleotide variant.
Coding change: c.2289+6T>G on transcript NM_022124.6 (MANE Select); 6 bases into the intron after coding-DNA position 2289, T replaced by G.
Molecular consequence: intron variant.
Genome position (GRCh38, 1-based): chr10:71,694,265, T>G. VCF-style: chr10-71694265-T-G. GRCh37 (hg19) VCF-style: chr10-73454022-T-G.
Other names: c.2289+6T>G (NM_001171930.2, NM_001171931.2).
Identifiers: ClinVar variation 162895 (VCV000162895.4), dbSNP rs727502924, ClinGen allele CA175477.

ClinVar aggregate classification (germline): Uncertain significance (1 of 4 stars; one submission).

Submission:

Laboratory for Molecular Medicine, Mass General Brigham Personalized Medicine
Classification: Uncertain significance. Last evaluated: 2014-05-30. Review status: criteria provided, single submitter. Criteria: LMM Criteria. Collection method: clinical testing. Allele origin: germline. Observed: 2 variant alleles.
Comment: The 2289+6T>G variant in CDH23 has not been previously reported in individuals w ith hearing loss or in large population studies. This variant is located in the 5' splice region. Computational tools suggest a possible impact to splicing; how ever, this information is not predictive enough to determine pathogenicity. In s ummary, the clinical significance of the 2289+6T>G variant is uncertain.